The following is an entry in ClinVar:

NM_004629.2(FANCG):c.965T>C (p.Leu322Pro)

Gene: FANCG (FA complementation group G; minus strand). Cytogenetic location: 9p13.3.
Variant type: single nucleotide variant.
Coding change: c.965T>C on transcript NM_004629.2 (MANE Select); coding-DNA position 965, T replaced by C.
Protein change: p.Leu322Pro; replaces leucine 322 with proline.
Molecular consequence: missense variant.
Genome position (GRCh38, 1-based): chr9:35,076,543, A>G on the plus strand (T>C on the coding strand, the complement: FANCG is on the minus strand). VCF-style: chr9-35076543-A-G. GRCh37 (hg19) VCF-style: chr9-35076540-A-G.
Other names: short protein forms L322P.
Identifiers: ClinVar variation 4022543 (VCV004022543.1).

ClinVar aggregate classification (germline): Uncertain significance (1 of 4 stars; one submission).

Conditions:
Inborn genetic diseases. Identifiers: MedGen C0950123, MeSH D030342.

Submission:

Ambry Genetics
Classification: Uncertain significance for Inborn genetic diseases. Last evaluated: 2025-05-28. Review status: criteria provided, single submitter. Criteria: Ambry Variant Classification Scheme 2023. Collection method: clinical testing. Allele origin: germline.
Comment: The p.L322P variant (also known as c.965T>C), located in coding exon 8 of the FANCG gene, results from a T to C substitution at nucleotide position 965. The leucine at codon 322 is replaced by proline, an amino acid with similar properties. This amino acid position is conserved. In addition, this alteration is predicted to be tolerated by in silico analysis. Based on the available evidence, the clinical significance of this variant remains unclear.